The following is an entry in ClinVar:

NM_001127392.3(MYRF):c.1116-10G>C

Gene: MYRF (myelin regulatory factor; plus strand). Cytogenetic location: 11q12.2.
Variant type: single nucleotide variant.
Coding change: c.1116-10G>C on transcript NM_001127392.3 (MANE Select); 10 bases into the intron before coding-DNA position 1116, G replaced by C.
Molecular consequence: intron variant.
Genome position (GRCh38, 1-based): chr11:61,773,957, G>C. VCF-style: chr11-61773957-G-C. GRCh37 (hg19) VCF-style: chr11-61541429-G-C.
Other names: c.1089-10G>C (NM_013279.4).
Identifiers: ClinVar variation 3041240 (VCV003041240.3), dbSNP rs369744463, ClinGen allele CA938614055.

ClinVar aggregate classification (germline): Likely benign. Review status: criteria provided, single submitter (1 of 4 stars). 2 submissions from 2 submitters: Likely benign (1). 1 of the submissions does not count toward it. Last evaluated 2024-11-27.

Conditions:
MYRF-related disorder. Also called: MYRF-related disorders; MYRF-related condition.

Submissions (2):

Blueprint Genetics
Classification: Likely benign. Last evaluated: 2024-11-27. Review status: criteria provided, single submitter. Criteria: ACMG Guidelines, 2015. Collection method: clinical testing. Allele origin: germline.

PreventionGenetics, part of Exact Sciences
Classification: Likely benign for MYRF-related condition. Last evaluated: 2019-05-15. Review status: no assertion criteria provided. Collection method: clinical testing. Allele origin: germline. Not counted in ClinVar's aggregate classification.
Comment: This variant is classified as likely benign based on ACMG/AMP sequence variant interpretation guidelines (Richards et al. 2015 PMID: 25741868, with internal and published modifications).